The following is an entry in ClinVar:

ClinVar aggregate classification (germline): Uncertain significance (1 of 4 stars; one submission).

Conditions:
Hereditary diffuse gastric adenocarcinoma (HDGC). Also called: DIFFUSE GASTRIC AND LOBULAR BREAST CANCER SYNDROME. Identifiers: Orphanet 26106, MedGen C1708349, MONDO:0007648, OMIM 137215.

Submission:

Labcorp Genetics (formerly Invitae), Labcorp
Classification: Uncertain significance for Hereditary diffuse gastric adenocarcinoma. Last evaluated: 2022-10-04. Review status: criteria provided, single submitter. Criteria: Invitae Variant Classification Sherloc (09022015). Collection method: clinical testing. Allele origin: germline.
Comment: This variant has not been reported in the literature in individuals affected with CDH1-related conditions. This variant is not present in population databases (gnomAD no frequency). In summary, the available evidence is currently insufficient to determine the role of this variant in disease. Therefore, it has been classified as a Variant of Uncertain Significance. Algorithms developed to predict the effect of missense changes on protein structure and function (SIFT, PolyPhen-2, Align-GVGD) all suggest that this variant is likely to be disruptive. ClinVar contains an entry for this variant (Variation ID: 935825). This sequence change replaces leucine, which is neutral and non-polar, with proline, which is neutral and non-polar, at codon 585 of the CDH1 protein (p.Leu585Pro).

NM_004360.5(CDH1):c.1754T>C (p.Leu585Pro)

Gene: CDH1 (cadherin 1; plus strand). Cytogenetic location: 16q22.1.
Variant type: single nucleotide variant.
Coding change: c.1754T>C on transcript NM_004360.5 (MANE Select); coding-DNA position 1754, T replaced by C.
Protein change: p.Leu585Pro; replaces leucine 585 with proline.
Molecular consequence: missense variant. On other transcripts: 5 prime UTR variant (1).
Genome position (GRCh38, 1-based): chr16:68,822,043, T>C. VCF-style: chr16-68822043-T-C. GRCh37 (hg19) VCF-style: chr16-68855946-T-C.
Other names: c.1571T>C, p.Leu524Pro (NM_001317184.2); c.206T>C, p.Leu69Pro (NM_001317185.2); c.-212T>C (NM_001317186.2); short protein forms L69P, L524P, L585P.
Identifiers: ClinVar variation 935825 (VCV000935825.10), dbSNP rs1596963414, ClinGen allele CA396466450.